The following is an entry in ClinVar:

ClinVar aggregate classification (germline): Conflicting classifications of pathogenicity. Review status: criteria provided, conflicting classifications (1 of 4 stars). 6 submissions from 6 submitters: Likely pathogenic (1); Uncertain significance (4). 1 of the submissions does not count toward it. Last evaluated 2025-11-04.

Conditions:
PKD1L1-related disorder. Also called: PKD1L1-related condition.
Heterotaxy, visceral, 8, autosomal (HTX8). Identifiers: MedGen C4310668, MONDO:0014967, OMIM 617205.
Inborn genetic diseases. Identifiers: MedGen C0950123, MeSH D030342.
Situs inversus. Also called: Situs inversus totalis. Identifiers: Orphanet 101063, MedGen C4551493, MONDO:0010029, HP:0001696.

Allele frequency attached by ClinVar (database versions not stated): TOPMed below 0.00001; gnomAD 0.00001; gnomAD exomes 0.00001.
gnomAD v4.1: 18 of 1,613,904 alleles (0.0011%); highest among the groups gnomAD compares: Non-Finnish European, 0.0014%; no homozygotes.

Submissions (6):

PreventionGenetics, part of Exact Sciences
Classification: Uncertain significance for PKD1L1-related condition. Last evaluated: 2025-11-04. Review status: criteria provided, single submitter. Criteria: ACMG Guidelines, 2015. Collection method: clinical testing. Allele origin: germline.
Comment: The PKD1L1 c.5072G>C variant is predicted to result in the amino acid substitution p.Cys1691Ser. This variant was reported in the homozygous state in an individual with heterotaxy and left ventricle hypoplasia (Vetrini et al. 2016. PubMed ID: 27616478). This variant alters a well-conserved cysteine residue within the GPS domain of the PKD1L1 protein (Vetrini et al. 2016. PubMed ID: 27616478). This variant has not been reported in a large population database (gnomAD), indicating this variant is rare. Although we suspect this variant may be pathogenic, at this time, the clinical significance of this variant is uncertain due to the absence of conclusive functional and genetic evidence.

Dasa
Classification: Uncertain significance. Last evaluated: 2025-05-17. Review status: criteria provided, single submitter. Criteria: DASA Assertion Criteria. Collection method: clinical testing. Allele origin: germline.
Comment: NM_138295.5(PKD1L1):c.5072G>C (p.Cys1691Ser) is a missense variant that results in the substitution of cysteine with serine. This variant has been recurrently observed in individuals with PKD1L1-related disorders (PMID: 27616478; PMID: 30622330). Also, this variant is rare in population databases. The currently available literature and clinical evidence are not sufficient to establish a definitive association between this variant and the reported condition. Therefore, this variant is classified as a variant of uncertain significance.

Ambry Genetics
Classification: Uncertain significance for Inborn genetic diseases. Last evaluated: 2025-03-04. Review status: criteria provided, single submitter. Criteria: Ambry Variant Classification Scheme 2023. Collection method: clinical testing. Allele origin: germline.
Comment: The c.5072G>C (p.C1691S) alteration is located in exon 32 (coding exon 32) of the PKD1L1 gene. This alteration results from a G to C substitution at nucleotide position 5072, causing the cysteine (C) at amino acid position 1691 to be replaced by a serine (S). This variant was not reported in population-based cohorts in the Genome Aggregation Database (gnomAD). This variant has been identified in the homozygous state and/or in conjunction with other PKD1L1 variant(s) in individual(s) with features consistent with PKD1L1-related visceral heterotaxy (Vetrini, 2016). This amino acid position is highly conserved in available vertebrate species. This alteration is predicted to be deleterious by in silico analysis. Based on insufficient or conflicting evidence, the clinical significance of this alteration remains unclear.

Laboratorio de Genetica e Diagnostico Molecular, Hospital Israelita Albert Einstein
Classification: Uncertain significance for Heterotaxy, visceral, 8, autosomal. Last evaluated: 2022-07-25. Review status: criteria provided, single submitter. Criteria: ACMG Guidelines, 2015. Collection method: clinical testing. Allele origin: germline. Affected: yes.
Comment: ACMG classification criteria: PS4 supporting, PM2 moderate, PM3 supporting

Baylor Genetics
Classification: Likely pathogenic for Situs inversus; Heterotaxy. Last evaluated: 2016-05-27. Review status: criteria provided, single submitter. Criteria: Vetrini et al. (Am J Hum Genet. 2016). Collection method: research. Allele origin: inherited. Inheritance: Autosomal recessive inheritance. Affected: yes. Observed: 1 homozygote.

OMIM
Classification: Pathogenic for HETEROTAXY, VISCERAL, 8, AUTOSOMAL. Last evaluated: 2016-12-14. Review status: no assertion criteria provided. Collection method: literature only. Allele origin: germline. Not counted in ClinVar's aggregate classification.

Literature cited by the submitters: PubMed 27616478 (cited by 3 submitters); PubMed 30622330 (cited by Dasa and Ambry Genetics).

NM_138295.5(PKD1L1):c.5072G>C (p.Cys1691Ser)

Gene: PKD1L1 (polycystin 1 like 1, transient receptor potential channel interacting; minus strand). Cytogenetic location: 7p12.3.
Variant type: single nucleotide variant.
Coding change: c.5072G>C on transcript NM_138295.5 (MANE Select); coding-DNA position 5072, G replaced by C.
Protein change: p.Cys1691Ser; replaces cysteine 1691 with serine.
Molecular consequence: missense variant.
Genome position (GRCh38, 1-based): chr7:47,846,960, C>G on the plus strand (G>C on the coding strand, the complement: PKD1L1 is on the minus strand). VCF-style: chr7-47846960-C-G. GRCh37 (hg19) VCF-style: chr7-47886558-C-G.
Other names: short protein forms C1691S.
Identifiers: ClinVar variation 235198 (VCV000235198.7), dbSNP rs886037834, ClinGen allele CA10581243.